The following is an entry in ClinVar:

ClinVar aggregate classification (germline): Pathogenic/Likely pathogenic; association. Review status: criteria provided, multiple submitters, no conflicts (2 of 4 stars). 36 submissions from 35 submitters: Pathogenic (16); Likely pathogenic (10). 9 of the submissions do not count toward it. Last evaluated 2026-08-01.

Conditions:
HOXB13-related disorder. Also called: HOXB13-related condition; HOXB13-related disorders.
HOXB13-Related Cancer Predisposition.
Prostate cancer, hereditary, 9 (HPC9). Identifiers: Orphanet 1331, MedGen C1970250, MONDO:0012597, OMIM 610997.
Hereditary cancer-predisposing syndrome. Also called: Neoplastic Syndromes, Hereditary; Hereditary neoplastic syndrome; Hereditary Cancer Syndrome; Tumor predisposition. Identifiers: Orphanet 140162, MedGen C0027672, MeSH D009386, MONDO:0015356.
Breast and/or ovarian cancer. Identifiers: MedGen CN221562.
Familial prostate cancer. Also called: Hereditary Prostate Cancer. Identifiers: MedGen C2931456, MONDO:0700275, OMIM 176807.
Carcinoma of pancreas. Also called: Pancreatic cancer, somatic; Pancreatic carcinoma, somatic; PANCREATIC ACINAR CARCINOMA; PANCREATIC CARCINOMA; Exocrine pancreatic carcinoma. Identifiers: Orphanet 1333, Orphanet 217074, MedGen C0235974, MONDO:0005192. Disease mechanism: loss of function.
Prostate cancer susceptibility. Also called: PROSTATE CANCER, SUSCEPTIBILITY TO. Identifiers: MedGen C3469524.

Allele frequency attached by ClinVar (database versions not stated): 1000 Genomes Project 30x 0.00016; 1000 Genomes Project 0.00020; TOPMed 0.00099; gnomAD 0.00150 and 0.00160; ESP Exome Variant Server 0.00154; gnomAD exomes 0.00177 and 0.00184; ExAC 0.00218.
gnomAD v4.1: 2,798 of 1,613,966 alleles (0.17%); highest among the groups gnomAD compares: Non-Finnish European, 0.19%; 5 homozygotes.

Submissions 1 to 6 of 36:

CeGaT Center for Human Genetics Tuebingen
Classification: Likely pathogenic. Last evaluated: 2026-08-01. Review status: criteria provided, single submitter. Criteria: CeGaT Center For Human Genetics Tuebingen Variant Classification Criteria Version 2. Collection method: clinical testing. Allele origin: germline. Affected: yes. Observed: 21 variant alleles.
Comment: HOXB13: PP1:Strong, PS4

PreventionGenetics, part of Exact Sciences
Classification: Pathogenic for HOXB13-related condition. Last evaluated: 2026-07-14. Review status: criteria provided, single submitter. Criteria: ACMG Guidelines, 2015. Collection method: clinical testing. Allele origin: germline.
Comment: The HOXB13 c.251G>A variant is predicted to result in the amino acid substitution p.Gly84Glu. This variant has been reported in many individuals with prostate cancer and has been found to segregate with prostate cancer in several families (Ewing et al. 2012. PubMed ID: 22236224; Breyer et al. 2012. PubMed ID: 22714738; Akbari et al. 2012. PubMed ID: 22781434; Karlsson et al. 2012. PubMed ID: 22841674; Xu et al. 2012. PubMed ID: 23064873; Supplementary Table S2, Aparicio et al. 2024. PubMed ID: 38683200). A large meta-analysis of 11 studies found the p.Gly84Glu variant is more frequently found in individuals with prostate cancer in comparison to controls (Huang and Cai. 2014. PubMed ID: 24026887). In addition, this study indicated that men that carry the p.Gly84Glu variant are at a 4.51-fold higher relative risk of prostate cancer in comparison to non-carriers (Huang and Cai. 2014. PubMed ID: 24026887). Additional studies have estimated a 2.8 to 4.5 fold risk of prostate cancer in men in comparison to the general population (Nyberg et al. 2019. PubMed ID: 30527799; Cai et al. 2015. PubMed ID: 26517352). This variant is reported in 0.76% of alleles in individuals of European (Finnish) descent in gnomAD and is reported in two homozygous individuals. Although this variant allele frequency is relatively high, haplotype and population analysis indicate this is a founder variant in European populations (Karlsson et al. 2012. PubMed ID: 22841674; Xu et al. 2012. PubMed ID: 23064873). This variant has conflicting interpretations in ClinVar including pathogenic, likely pathogenic, and uncertain significance (Variation ID:128031). Taken together, we interpret this variant as pathogenic.

Labcorp Genetics (formerly Invitae), Labcorp
Classification: association. Last evaluated: 2026-02-03. Review status: criteria provided, single submitter. Criteria: Invitae Variant Classification Sherloc (09022015). Collection method: clinical testing. Allele origin: germline.
Comment: This sequence change replaces glycine, which is neutral and non-polar, with glutamic acid, which is acidic and polar, at codon 84 of the HOXB13 protein (p.Gly84Glu). This variant is present in population databases (rs138213197, gnomAD 0.8%), and has an allele count higher than expected for a pathogenic variant. Numerous family studies, population-based case-control studies, and large meta-analyses have shown that this variant confers an elevated risk for prostate cancer (PMID: 23064873, 22841674, 26517352, 23518396, 24026887). In a large meta-analysis involving 11 studies with approximately 120,000 cases and controls (PMID: 24026887), men carrying this variant had a 4.51-fold higher relative risk of prostate cancer compared with non-carriers (95 % CI 3.28-6.20). Higher risks were observed in individuals with early-onset disease (OR=9.73, 95% CI 6.57-14.39), more than two affected relatives (OR=7.27, 95 % CI 4.02-13.15), and highly aggressive disease (OR=5.81, 95% CI 3.72-9.08). ClinVar contains an entry for this variant (Variation ID: 128031). Both population studies and haplotype analyses suggest that this variant is a European founder mutation, explaining the higher frequency in these populations (PMID: 22841674, 23064873). ClinVar contains an entry for this variant (Variation ID: 128031). Invitae Evidence Modeling of protein sequence and biophysical properties (such as structural, functional, and spatial information, amino acid conservation, physicochemical variation, residue mobility, and thermodynamic stability) indicates that this missense variant is not expected to disrupt HOXB13 protein function with a negative predictive value of 80%. In summary, this is a common variant that is associated with an increased risk for developing disease. For these reasons, this variant has been classified as an Increased Risk Allele.

Department of Clinical Genetics, Copenhagen University Hospital, Rigshospitalet
Classification: Likely pathogenic for Prostate cancer susceptibility. Last evaluated: 2025-11-18. Review status: criteria provided, single submitter. Criteria: ACMG Guidelines, 2015. Collection method: clinical testing. Allele origin: germline. Affected: yes.
Comment: Case-control data demonstrate that the c.251G>A (p.Gly84Glu) variant is strongly associated with an increased risk of early-onset prostate cancer. The following ACMG criteria has been used: PS4; PP1_Strong

Otogenetics
Classification: Pathogenic for Prostate cancer, hereditary, 9. Last evaluated: 2025-10-29. Review status: criteria provided, single submitter. Criteria: ACMG Guidelines, 2015. Collection method: clinical testing. Allele origin: germline.
Comment: PS4: Prevalence of the variant in affected individuals is significantly increased compared to the prevalence in controls: three case-control studies investigating the p.G84E mutation indicate a prostate cancer OR between 3.25 and 4.81, with valid confidence intervals and p-values < 0.001 (PMID: 26517352, 27626483, 32830201); PM2: Maximum gnomAD MAF of 0.762% in European-Finnish (FIN) subpopulation (<1.0% threshold); PP1_Strong: Cosegregation with prostate cancer across multiple affected family members (PMID: 22236224, 22714738, 33099213)

Ambry Genetics
Classification: Likely pathogenic for Hereditary cancer-predisposing syndrome. Last evaluated: 2025-10-17. Review status: criteria provided, single submitter. Criteria: Ambry Variant Classification Scheme 2023. Collection method: clinical testing. Allele origin: germline.
Comment: The p.G84E variant (also known as c.251G>A), located in coding exon 1 of the HOXB13 gene, results from a G to A substitution at nucleotide position 251. The glycine at codon 84 is replaced by glutamic acid, an amino acid with similar properties. This alteration is located in a highly conserved region of HOXB13 that plays an important role in mediating the binding of HOX13 paralogues to the MEIS family of HOX cofactor proteins (Ewing CM et al. N. Engl. J. Med. 2012 Jan;366:141-9). Several large case-control studies have shown an association of the p.G84E alteration with increased prostate cancer risk (Ewing CM et al. N. Engl. J. Med. 2012 Jan;366:141-9; Breyer JP et al. Cancer Epidemiol. Biomarkers Prev. 2012 Aug;21:1348-53; Akbari MR et al. J. Natl. Cancer Inst. 2012 Aug;104:1260-2; Xu J et al. Hum. Genet. 2013 Jan;132:5-14; Karlsson R et al. Eur. Urol. 2014 Jan;65:169-76; Hoffmann TJ et al. PLoS Genet. 2015 Jan;11:e1004930; Karyadi DM et al. Oncotarget. 2017 Jan;8:1495-1507). Meta-analyses have estimated that male carriers of the p.G84E alteration have an approximate 2.8 to 4-fold risk of prostate cancer compared to the general population; however, exact lifetime risk figures are not currently available (Shang Z et al. Eur. Urol. 2013 Jul;64:173-6; Huang H et al. Tumour Biol. 2014 Feb;35:1177-82; Cai Q et al. Oncotarget. 2015 Dec;6:42312-21; Nyberg T et al. Eur. Urol. 2019 05;75(5):834-845). Of note, this alteration has been reported predominantly in individuals of European descent, and is estimated to contribute to up to 5% of high-risk prostate cancer families in this population (Xu J et al. Hum. Genet. 2013 Jan;132:5-14). This amino acid position is highly conserved in available vertebrate species. In addition, this alteration is predicted to be deleterious by in silico analysis. Based on the majority of available evidence to date, this variant is likely to be pathogenic.

NM_006361.6(HOXB13):c.251G>A (p.Gly84Glu)

Gene: HOXB13 (homeobox B13; minus strand). Cytogenetic location: 17q21.32.
Variant type: single nucleotide variant.
Coding change: c.251G>A on transcript NM_006361.6 (MANE Select); coding-DNA position 251, G replaced by A.
Protein change: p.Gly84Glu; replaces glycine 84 with glutamic acid.
Molecular consequence: missense variant.
Genome position (GRCh38, 1-based): chr17:48,728,343, C>T on the plus strand (G>A on the coding strand, the complement: HOXB13 is on the minus strand). VCF-style: chr17-48728343-C-T. GRCh37 (hg19) VCF-style: chr17-46805705-C-T.
Other names: p.G84E:GGA>GAA; short protein forms G84E.
Identifiers: ClinVar variation 128031 (VCV000128031.102), dbSNP rs138213197, ClinGen allele CA288225.
Genomic context (GRCh38, chr17:48,728,343, plus strand): 5'-GCTGCCTGGGCACAGGGTTTCAGCGAGCTCCGGGACACTCGGCAGGAGTAGTACCCGCCT[C>T]CAAAGTAACCATAAGGCACGGGAGCTGGGGACGTCCCCTGGGGCACCCCAGGGCATGGGT-3'
Protein context (NP_006352.2, residues 74-94): SPAPVPYGYF[Gly84Glu]GGYYSCRVSR